The following is an entry in ClinVar:

NC_000015.9:g.(?_67473559)_(67482874_?)del

Gene: SMAD3 (SMAD family member 3; plus strand). Cytogenetic location: 15q22.33.
Variant type: Deletion.
Identifiers: ClinVar variation 3243829 (VCV003243829.1).

ClinVar aggregate classification (germline): Pathogenic (1 of 4 stars; one submission).

Conditions:
Familial thoracic aortic aneurysm and aortic dissection (TAAD). Also called: Thoracic aortic aneurysms and dissections. Identifiers: Orphanet 91387, MedGen C4707243, MONDO:0019625.

Submission:

Labcorp Genetics (formerly Invitae), Labcorp
Classification: Pathogenic for Familial thoracic aortic aneurysm and aortic dissection. Last evaluated: 2023-03-16. Review status: criteria provided, single submitter. Criteria: Invitae Variant Classification Sherloc (09022015). Collection method: clinical testing. Allele origin: unknown.
Comment: For these reasons, this variant has been classified as Pathogenic. This variant disrupts a region of the SMAD3 protein in which other variant(s) (p.Arg243Cys) have been determined to be pathogenic (Invitae). This suggests that this is a clinically significant region of the protein, and that variants that disrupt it are likely to be disease-causing. This variant has not been reported in the literature in individuals affected with SMAD3-related conditions. This variant is a gross deletion of the genomic region encompassing exon(s) 6-9 of the SMAD3 gene, which includes the termination codon. This deletion extends beyond the assayed region for this gene and therefore may encompass additional genes. While this deletion is not anticipated to lead to nonsense mediated decay, it is expected to alter mRNA translation or result in a truncated protein product.